The following is an entry in ClinVar:

ClinVar aggregate classification (germline): Pathogenic (1 of 4 stars; one submission).

Conditions:
Hypertrophic cardiomyopathy. Also called: HYPERTROPHIC MYOCARDIOPATHY. Identifiers: Orphanet 217569, MedGen C0007194, MeSH D002312, MONDO:0005045, HP:0001639.

Submission:

Labcorp Genetics (formerly Invitae), Labcorp
Classification: Pathogenic for Hypertrophic cardiomyopathy. Last evaluated: 2024-08-16. Review status: criteria provided, single submitter. Criteria: Invitae Variant Classification Sherloc (09022015). Collection method: clinical testing. Allele origin: germline.
Comment: This sequence change creates a premature translational stop signal (p.Leu994Serfs*12) in the MYBPC3 gene. It is expected to result in an absent or disrupted protein product. Loss-of-function variants in MYBPC3 are known to be pathogenic (PMID: 19574547). This variant is not present in population databases (gnomAD no frequency). This variant has not been reported in the literature in individuals affected with MYBPC3-related conditions. ClinVar contains an entry for this variant (Variation ID: 1460465). For these reasons, this variant has been classified as Pathogenic.

Literature cited by the submitters: PubMed 19574547.

NM_000256.3(MYBPC3):c.2980del (p.Leu994fs)

Gene: MYBPC3 (myosin binding protein C3; minus strand). Cytogenetic location: 11p11.2.
Variant type: Deletion.
Coding change: c.2980del on transcript NM_000256.3 (MANE Select); coding-DNA position 2980, one base deleted (C; older notation c.2980delC).
Protein change: p.Leu994fs; shifts the reading frame from leucine 994.
Molecular consequence: frameshift variant.
Genome position (GRCh38, 1-based): chr11:47,333,936, G deleted on the plus strand (C on the coding strand, the reverse complement: MYBPC3 is on the minus strand). VCF-style (leftmost placement, unchanged base first): chr11-47333935-AG-A. GRCh37 (hg19) VCF-style: chr11-47355486-AG-A.
Other names: short protein forms L994fs.
Identifiers: ClinVar variation 1460465 (VCV001460465.6), dbSNP rs2142851880, ClinGen allele CA2573146372.